The following is an entry in ClinVar:

ClinVar aggregate classification (germline): Uncertain significance (1 of 4 stars; one submission).

Submission:

GeneDx
Classification: Uncertain significance. Last evaluated: 2026-06-10. Review status: criteria provided, single submitter. Criteria: GeneDx Variant Classification Process June 2021. Collection method: clinical testing. Allele origin: germline.
Comment: Not observed at significant frequency in large population cohorts (gnomAD); In silico analysis supports that this missense variant has a deleterious effect on protein structure/function; Has not been previously published as pathogenic or benign to our knowledge; Reported using an alternate transcript of the gene

NM_002063.4(GLRA2):c.270+125T>C

Gene: GLRA2 (glycine receptor alpha 2; plus strand). Cytogenetic location: Xp22.2.
Variant type: single nucleotide variant.
Coding change: c.270+125T>C on transcript NM_002063.4 (MANE Select); 125 bases into the intron after coding-DNA position 270, T replaced by C.
Molecular consequence: intron variant. On other transcripts: missense variant (1).
Genome position (GRCh38, 1-based): chrX:14,574,525, T>C. VCF-style: chrX-14574525-T-C. GRCh37 (hg19) VCF-style: chrX-14592647-T-C.
Other names: c.236T>C, p.Ile79Thr (NM_001118886.2); c.3+125T>C (NM_001171942.2); c.270+125T>C (NM_001118885.2); short protein forms I79T.
Identifiers: ClinVar variation 4086485 (VCV004086485.2).